The following is an entry in ClinVar:

ClinVar aggregate classification (germline): Uncertain significance (1 of 4 stars; one submission).

Conditions:
Autosomal dominant polycystic kidney disease. Identifiers: Orphanet 730, MedGen C0085413, MONDO:0004691.

gnomAD v4.1: 1 of 1,478,200 alleles (0.000068%); highest among the groups gnomAD compares: Non-Finnish European, 0.000089%; no homozygotes.

Submission:

Labcorp Genetics (formerly Invitae), Labcorp
Classification: Uncertain significance for Autosomal dominant polycystic kidney disease. Last evaluated: 2021-05-20. Review status: criteria provided, single submitter. Criteria: Invitae Variant Classification Sherloc (09022015). Collection method: clinical testing. Allele origin: germline.
Comment: This sequence change replaces arginine with tryptophan at codon 139 of the PKD2 protein (p.Arg139Trp). The arginine residue is weakly conserved and there is a moderate physicochemical difference between arginine and tryptophan. The frequency data for this variant in the population databases is considered unreliable, as metrics indicate insufficient coverage at this position in the ExAC database. This variant has been observed in individual(s) with clinical features of polycystic kidney disease (Invitae). Algorithms developed to predict the effect of missense changes on protein structure and function (SIFT, PolyPhen-2, Align-GVGD) all suggest that this variant is likely to be tolerated, but these predictions have not been confirmed by published functional studies and their clinical significance is uncertain. In summary, the available evidence is currently insufficient to determine the role of this variant in disease. Therefore, it has been classified as a Variant of Uncertain Significance.

NM_000297.4(PKD2):c.415C>T (p.Arg139Trp)

Genes: PKD2 (polycystin 2, transient receptor potential cation channel; plus strand), LOC129992813 (ATAC-STARR-seq lymphoblastoid silent region 15559; plus strand). Cytogenetic location: 4q22.1.
Variant type: single nucleotide variant.
Coding change: c.415C>T on transcript NM_000297.4 (MANE Select); coding-DNA position 415, C replaced by T.
Protein change: p.Arg139Trp; replaces arginine 139 with tryptophan.
Molecular consequence: missense variant. On other transcripts: non-coding transcript variant (1).
Genome position (GRCh38, 1-based): chr4:88,008,148, C>T. VCF-style: chr4-88008148-C-T. GRCh37 (hg19) VCF-style: chr4-88929300-C-T.
Other names: short protein forms R139W.
Identifiers: ClinVar variation 1394519 (VCV001394519.8), dbSNP rs2110080518, ClinGen allele CA357626554.
Genomic context (GRCh38, chr4:88,008,148, plus strand): 5'-CGCCCGGGCAGCCGGAGGTCGGCCGCCTCCTCGGCCGTGAGCTCCGTGGGCGCGCGGAGC[C>T]GGGGGCTTGGGGGCTACCACGGCGCGGGCCACCCGAGCGGGAGGCGGCGCCGGCGAGAGG-3'
Protein context (NP_000288.1, residues 129-149): SAVSSVGARS[Arg139Trp]GLGGYHGAGH